The following is an entry in ClinVar:

ClinVar aggregate classification (germline): Pathogenic. Review status: criteria provided, single submitter (1 of 4 stars). 2 submissions from 2 submitters: Pathogenic (1). 1 of the submissions does not count toward it. Last evaluated 2016-07-26.

Conditions:
Pulmonary hypertension, primary, 1 (PPH1). Also called: Pulmonary hypertension, familial primary, 1, with or without HHT. Identifiers: Orphanet 422, MedGen C4552070, MONDO:0024533, OMIM 178600.

Submissions (2):

Labcorp Genetics (formerly Invitae), Labcorp
Classification: Pathogenic for Primary pulmonary hypertension. Last evaluated: 2016-07-26. Review status: criteria provided, single submitter. Criteria: Invitae Variant Classification Sherloc (09022015). Collection method: clinical testing. Allele origin: germline.
Comment: This variant is a gross deletion of the genomic region encompassing exons 2-3 of the BMPR2 gene. This leads to an in-frame deletion, preserving the integrity of the reading frame. Deletions of exon 2-3 of BMPR2 have been reported in individuals affected with pulmonary arterial hypertension (PMID: 18503968, 21801371). This deletion results in the loss of the extracellular ligand binding domain of the BMPR2 protein (PMID: 17094948, 21030519). Many variants in this region have been reported in affected individuals and have been shown to affect protein stability and function (PMID: 11115378, 12045205, 25688877). For these reasons, this variant has been classified as Pathogenic.

Rare Disease Genomics Group, St George's University of London
Classification: Pathogenic for Primary pulmonary hypertension. Review status: no assertion criteria provided. Collection method: literature only. Allele origin: germline. Affected: yes. Not counted in ClinVar's aggregate classification.

Literature cited by the submitters: PubMed 19555857 (cited by Rare Disease Genomics Group, St George's University of London); PubMed 21801371 (cited by Rare Disease Genomics Group, St George's University of London).

NM_001204.6(BMPR2):c.77-?_418+?del

Gene: BMPR2 (bone morphogenetic protein receptor type 2; plus strand). Cytogenetic location: 2q33.1.
Variant type: Deletion.
Coding change: c.77-?_418+?del on transcript NM_001204.6.
Other names: c.77-?_418+?del (LRG_712t1).
Identifiers: ClinVar variation 417478 (VCV000417478.1).